The following is an entry in ClinVar:

ClinVar aggregate classification (germline): Uncertain significance (1 of 4 stars; one submission).

Conditions:
Hereditary cancer-predisposing syndrome. Also called: Hereditary neoplastic syndrome; Tumor predisposition; Hereditary Cancer Syndrome; Neoplastic Syndromes, Hereditary. Identifiers: Orphanet 140162, MedGen C0027672, MeSH D009386, MONDO:0015356.

Submission:

Ambry Genetics
Classification: Uncertain significance for Hereditary cancer-predisposing syndrome. Last evaluated: 2023-09-12. Review status: criteria provided, single submitter. Criteria: Ambry Variant Classification Scheme 2023. Collection method: clinical testing. Allele origin: germline.
Comment: The p.P28T variant (also known as c.82C>A), located in coding exon 1 of the RB1 gene, results from a C to A substitution at nucleotide position 82. The proline at codon 28 is replaced by threonine, an amino acid with highly similar properties. This amino acid position is conserved. In addition, the in silico prediction for this alteration is inconclusive. Since supporting evidence is limited at this time, the clinical significance of this alteration remains unclear.

NM_000321.3(RB1):c.82C>A (p.Pro28Thr)

Gene: RB1 (RB transcriptional corepressor 1; plus strand). Cytogenetic location: 13q14.2.
Variant type: single nucleotide variant.
Coding change: c.82C>A on transcript NM_000321.3 (MANE Select); coding-DNA position 82, C replaced by A.
Protein change: p.Pro28Thr; replaces proline 28 with threonine.
Molecular consequence: missense variant.
Genome position (GRCh38, 1-based): chr13:48,303,994, C>A. VCF-style: chr13-48303994-C-A. GRCh37 (hg19) VCF-style: chr13-48878130-C-A.
Other names: c.82C>A, p.Pro28Thr (NM_001407165.1, NM_001407166.1, NM_001407167.1); short protein forms P28T.
Identifiers: ClinVar variation 2585751 (VCV002585751.2), dbSNP rs1020342293, ClinGen allele CA388250285.